The following is an entry in ClinVar:

ClinVar aggregate classification (germline): Likely pathogenic (1 of 4 stars; one submission).

Conditions:
Agenesis of the corpus callosum with peripheral neuropathy (ACCPN). Also called: CHARLEVOIX DISEASE; POLYNEUROPATHY, SENSORIMOTOR, WITH OR WITHOUT AGENESIS OF THE CORPUS CALLOSUM; HMSN/ACC; Hereditary Motor and Sensory Neuropathy with Agenesis of the Corpus Callosum. Identifiers: Orphanet 1496, MedGen C0795950, MONDO:0000902, OMIM 218000. Disease mechanism: loss of function.

Submission:

Natera, Inc.
Classification: Likely pathogenic for Andermann syndrome. Last evaluated: 2025-01-23. Review status: criteria provided, single submitter. Criteria: Natera Variant Classification Schema (03/2026). Collection method: clinical testing. Allele origin: germline.
Comment: The c.1735dup variant in SLC12A6 is a frameshift variant predicted to shift the reading frame beginning at codon 579 and leads to a stop codon 24 codons downstream. This variant is expected to result in nonsense mediated decay, truncation, or a dysfunctional protein product. This variant is rare in the general population with a frequency below the threshold expected for the associated phenotype(s). Given the available evidence, this variant is classified as Likely Pathogenic.

NM_001365088.1(SLC12A6):c.1735dup (p.Ser579fs)

Gene: SLC12A6 (solute carrier family 12 member 6; minus strand). Cytogenetic location: 15q14.
Variant type: Duplication.
Coding change: c.1735dup on transcript NM_001365088.1 (MANE Select); coding-DNA position 1735, one base duplicated (T; older notation c.1735dupT).
Protein change: p.Ser579fs; shifts the reading frame from serine 579.
Molecular consequence: frameshift variant.
Genome position (GRCh38, 1-based): chr15:34,245,782, A duplicated on the plus strand (T on the coding strand, the reverse complement: SLC12A6 is on the minus strand); the first of 4 consecutive A bases (chr15:34,245,782-34,245,785); duplicating any one gives the same sequence. VCF-style (leftmost placement, unchanged base first): chr15-34245781-G-GA. GRCh37 (hg19) VCF-style: chr15-34537982-G-GA.
Other names: c.1558dup, p.Ser520fs (NM_001042494.2, NM_001042495.2); c.1708dup, p.Ser570fs (NM_001042496.2); c.1690dup, p.Ser564fs (NM_001042497.2); c.1582dup, p.Ser528fs (NM_005135.2); c.1735dup, p.Ser579fs (NM_133647.2); c.1735dup (NM_133647.1); short protein forms S520fs, S528fs, S564fs, S570fs, S579fs.
Identifiers: ClinVar variation 4061494 (VCV004061494.2).